The following is an entry in ClinVar:

NM_002470.4(MYH3):c.1095C>A (p.Phe365Leu)

Gene: MYH3 (myosin heavy chain 3; minus strand). Cytogenetic location: 17p13.1.
Variant type: single nucleotide variant.
Coding change: c.1095C>A on transcript NM_002470.4 (MANE Select); coding-DNA position 1095, C replaced by A.
Protein change: p.Phe365Leu; replaces phenylalanine 365 with leucine.
Molecular consequence: missense variant.
Genome position (GRCh38, 1-based): chr17:10,645,753, G>T on the plus strand (C>A on the coding strand, the complement: MYH3 is on the minus strand). VCF-style: chr17-10645753-G-T. GRCh37 (hg19) VCF-style: chr17-10549070-G-T.
Other names: short protein forms F365L.
Identifiers: ClinVar variation 5005682 (VCV005005682.2).

ClinVar aggregate classification (germline): Uncertain significance (1 of 4 stars; one submission).

Conditions:
Contractures, pterygia, and variable skeletal fusions syndrome 1B. Also called: CONTRACTURES, PTERYGIA, AND SPONDYLOCARPOTARSAL FUSION SYNDROME 1B. Identifiers: MedGen C5193114, MONDO:0020746, OMIM 618469.
Arthrogryposis, distal, type 2B3. Also called: Arthrogryposis, distal, type 2B3 (Sheldon-Hall). Identifiers: MedGen C5193098, MONDO:0032751, OMIM 618436.
Contractures, pterygia, and spondylocarpotarsal fusion syndrome 1A (CPSFS1A). Also called: MULTIPLE PTERYGIUM SYNDROME, AUTOSOMAL DOMINANT; Distal arthrogryposis type 8; Contractures, pterygia, and variable skeletal fusions syndrome 1A. Identifiers: Orphanet 65743, MedGen C1867440, MONDO:0008338, OMIM 178110.
Freeman-Sheldon syndrome (DA2A). Also called: CRANIOCARPOTARSAL DYSPLASIA; CRANIOCARPOTARSAL DYSTROPHY; WHISTLING FACE-WINDMILL VANE HAND SYNDROME; Arthrogryposis, distal, type 2A (Freeman-Sheldon). Identifiers: Orphanet 2053, MedGen C0265224, MONDO:0008675, OMIM 193700.

Submission:

Juno Genomics, Hangzhou Juno Genomics, Inc
Classification: Uncertain significance for Freeman-Sheldon syndrome; Arthrogryposis, distal, type 2B3; Contractures, pterygia, and spondylocarpotarsal fusion syndrome 1A; Contractures, pterygia, and variable skeletal fusions syndrome 1B. Review status: criteria provided, single submitter. Criteria: ACMG Guidelines, 2015. Collection method: clinical testing. Allele origin: germline.
Comment: Missense variant in a gene that has a low rate of benign missense variation.;Multiple lines of computational evidence support a deleterious effect on the gene or gene product.;Absent from controls (or at extremely low frequency if recessive) in Genome Aggregation Database.